The following is an entry in ClinVar:

ClinVar aggregate classification (germline): Pathogenic. Review status: criteria provided, multiple submitters, no conflicts (2 of 4 stars). 3 submissions from 3 submitters: Pathogenic (3). Last evaluated 2026-04-21.
ClinVar aggregate classification (somatic clinical impact): Tier I - Strong (1 of 4 stars; one submission).
ClinVar aggregate classification (oncogenicity): Oncogenic (1 of 4 stars; one submission).

Conditions:
Hereditary cancer-predisposing syndrome. Also called: Hereditary Cancer Syndrome; Tumor predisposition; Neoplastic Syndromes, Hereditary; Hereditary neoplastic syndrome. Identifiers: Orphanet 140162, MedGen C0027672, MeSH D009386, MONDO:0015356.
Atypical teratoid rhabdoid tumor. Also called: Atypical teratoid/rhabdoid tumor. Identifiers: Orphanet 99966, MedGen C1266184, MONDO:0020560, HP:0034401.
Neoplasm. Also called: tumor; Neoplasms; Neoplasm (disease). Identifiers: MedGen C0027651, MeSH D009369, MONDO:0005070, HP:0002664.

Submissions (5):

Center for Genomic Medicine, Rigshospitalet, Copenhagen University Hospital
Classification: Oncogenic for Neoplasm. Last evaluated: 2026-10-16. Review status: criteria provided, single submitter. Criteria: ClinGen/CGC/VICC Guidelines for Oncogenicity, 2022. Collection method: clinical testing. Allele origin: somatic. Affected: yes.

GeneDx
Classification: Pathogenic. Last evaluated: 2026-04-21. Review status: criteria provided, single submitter. Criteria: GeneDx Variant Classification Process June 2021. Collection method: clinical testing. Allele origin: germline.
Comment: Observed in individuals with SMARCB1-related cancers referred for genetic testing at GeneDx and in published literature (PMID: 20848638, 24933152, 10521299); Nonsense variant predicted to result in protein truncation or nonsense mediated decay in a gene for which loss of function is a known mechanism of disease; Not observed in large population cohorts (gnomAD); This variant is associated with the following publications: (PMID: 39093628, 24933152, 26998479, 21208904, 10521299, 25525159, 20848638, 21108436, 29489754, 32218533)

Labcorp Genetics (formerly Invitae), Labcorp
Classification: Pathogenic. Last evaluated: 2024-09-18. Review status: criteria provided, single submitter. Criteria: Invitae Variant Classification Sherloc (09022015). Collection method: clinical testing. Allele origin: germline.
Comment: This sequence change creates a premature translational stop signal (p.Arg201*) in the SMARCB1 gene. It is expected to result in an absent or disrupted protein product. Loss-of-function variants in SMARCB1 are known to be pathogenic (PMID: 10521299, 21208904). This variant is not present in population databases (gnomAD no frequency). This premature translational stop signal has been observed in individual(s) with atypical teratoid and rhabdoid tumors (PMID: 10521299, 20848638, 21108436, 21208904, 24933152, 26998479). In at least one individual the variant was observed to be de novo. ClinVar contains an entry for this variant (Variation ID: 532962). For these reasons, this variant has been classified as Pathogenic.

Institute for Genomic Medicine (IGM) Clinical Laboratory, Nationwide Children's Hospital
Classification: Pathogenic for Hereditary cancer-predisposing syndrome. Last evaluated: 2024-02-19. Review status: criteria provided, single submitter. Criteria: ACMG Guidelines, 2015. Collection method: clinical testing. Allele origin: germline.
Comment: This variant is predicted to result in loss of function through nonsense-mediated decay of the encoded transcript or premature truncation of the encoded protein in a gene in which loss of function is a known mechanism of disease (ACMG/AMP: PVS1; PMIDs:21208904, 24933152). This variant has been reported at an elevated frequency in affected individuals/in multiple affected individuals in the literature (ACMG/AMP: PS4_Moderate; PMIDs:10521299, 20848638, 21208904, 24933152). This variant is absent from or present at an exceedingly low frequency in gnomAD, a large-scale control population database (ACMG/AMP: PM2). This variant has been reported to occur de novo in an affected individual in the literature without parental identity confirmed (ACMG/AMP: PM6_Strong; PMIDs:21108436, 26998479).

Institute for Genomic Medicine (IGM) Clinical Laboratory, Nationwide Children's Hospital
Classification: Tier I - Strong for Atypical teratoid rhabdoid tumor. Assertion type: diagnostic. Clinical significance: supports diagnosis. Last evaluated: 2022-09-09. Review status: criteria provided, single submitter. Criteria: AMP/ASCO/CAP Guidelines, 2017. Collection method: clinical testing. Allele origin: somatic. Affected: yes.
Comment: Variant has Tier I (strong) clinical significance as a diagnostic inclusion criterion in atypical teratoid rhabdoid tumor, based on the following evidence: 1) Documented in one or more cancer databases (e.g., St. Jude Pecan, COSMIC, CIViC, OncoKB). 2) Appears in one or more well-established professional guidelines (e.g., World Health Organization [WHO]; National Comprehensive Cancer Network [NCCN]) as providing diagnostic, prognostic, or therapeutic information. 3) Information in the literature supports potential biologic effect of variant (PMIDs: 21108436, 21208904, 20848638). 4) Diagnostic for a specific tumor type/classification according to professional guidelines (Evidence Level A; PMIDs: 22797305, 9892189, 9671307, 26923874, 23074045).

Literature cited by the submitters: PubMed 10521299 (cited by Labcorp Genetics (formerly Invitae), Labcorp and Institute for Genomic Medicine (IGM) Clinical Laboratory, Nationwide Children's Hospital); PubMed 21208904 (cited by Labcorp Genetics (formerly Invitae), Labcorp and Institute for Genomic Medicine (IGM) Clinical Laboratory, Nationwide Children's Hospital); PubMed 20848638 (cited by Labcorp Genetics (formerly Invitae), Labcorp and Institute for Genomic Medicine (IGM) Clinical Laboratory, Nationwide Children's Hospital); PubMed 21108436 (cited by Labcorp Genetics (formerly Invitae), Labcorp and Institute for Genomic Medicine (IGM) Clinical Laboratory, Nationwide Children's Hospital); PubMed 24933152 (cited by Labcorp Genetics (formerly Invitae), Labcorp and Institute for Genomic Medicine (IGM) Clinical Laboratory, Nationwide Children's Hospital); PubMed 26998479 (cited by Labcorp Genetics (formerly Invitae), Labcorp and Institute for Genomic Medicine (IGM) Clinical Laboratory, Nationwide Children's Hospital); PubMed 22797305 (cited by Institute for Genomic Medicine (IGM) Clinical Laboratory, Nationwide Children's Hospital); PubMed 9892189 (cited by Institute for Genomic Medicine (IGM) Clinical Laboratory, Nationwide Children's Hospital); PubMed 9671307 (cited by Institute for Genomic Medicine (IGM) Clinical Laboratory, Nationwide Children's Hospital); PubMed 26923874 (cited by Institute for Genomic Medicine (IGM) Clinical Laboratory, Nationwide Children's Hospital); PubMed 23074045 (cited by Institute for Genomic Medicine (IGM) Clinical Laboratory, Nationwide Children's Hospital).

NM_003073.5(SMARCB1):c.601C>T (p.Arg201Ter)

Gene: SMARCB1 (SWI/SNF related BAF chromatin remodeling complex subunit B1; plus strand). Cytogenetic location: 22q11.23.
Variant type: single nucleotide variant.
Coding change: c.601C>T on transcript NM_003073.5 (MANE Select); coding-DNA position 601, C replaced by T.
Protein change: p.Arg201Ter; replaces arginine 201 with a stop codon.
Molecular consequence: nonsense.
Genome position (GRCh38, 1-based): chr22:23,803,395, C>T. VCF-style: chr22-23803395-C-T. GRCh37 (hg19) VCF-style: chr22-24145582-C-T.
Other names: c.601C>T (LRG_520t1); c.574C>T, p.Arg192Ter (NM_001007468.3); c.628C>T, p.Arg210Ter (NM_001317946.2); c.655C>T, p.Arg219Ter (NM_001362877.2); short protein forms R201*, R210*, R192*, R219*.
Identifiers: ClinVar variation 532962 (VCV000532962.14), dbSNP rs1555877286, ClinGen allele CA410935955.